The following is an entry in ClinVar:

NM_001127208.3(TET2):c.2510A>G (p.Asn837Ser)

Genes: TET2 (tet methylcytosine dioxygenase 2; plus strand), TET2-AS1 (TET2 antisense RNA 1; minus strand). Cytogenetic location: 4q24.
Variant type: single nucleotide variant.
Coding change: c.2510A>G on transcript NM_001127208.3 (MANE Select); coding-DNA position 2510, A replaced by G.
Protein change: p.Asn837Ser; replaces asparagine 837 with serine.
Molecular consequence: missense variant.
Genome position (GRCh38, 1-based): chr4:105,236,452, A>G. VCF-style: chr4-105236452-A-G. GRCh37 (hg19) VCF-style: chr4-106157609-A-G.
Other names: c.2510A>G, p.Asn837Ser (NM_017628.4); short protein forms N837S.
Identifiers: ClinVar variation 1964736 (VCV001964736.4), dbSNP rs747307117, ClinGen allele CA3031894.

ClinVar aggregate classification (germline): Uncertain significance. Review status: criteria provided, multiple submitters, no conflicts (2 of 4 stars). 2 submissions from 2 submitters: Uncertain significance (2). Last evaluated 2025-03-02.

Allele frequency attached by ClinVar (database versions not stated): gnomAD exomes below 0.00001; ExAC 0.00001; gnomAD 0.00001; TOPMed 0.00001.
gnomAD v4.1: 5 of 1,614,000 alleles (0.00031%); highest among the groups gnomAD compares: African/African-American, 0.0027%; no homozygotes.

Submissions (2):

Ambry Genetics
Classification: Uncertain significance. Last evaluated: 2025-03-02. Review status: criteria provided, single submitter. Criteria: Ambry Variant Classification Scheme 2023. Collection method: clinical testing. Allele origin: germline.
Comment: The p.N837S variant (also known as c.2510A>G), located in coding exon 1 of the TET2 gene, results from an A to G substitution at nucleotide position 2510. The asparagine at codon 837 is replaced by serine, an amino acid with highly similar properties. This amino acid position is conserved. In addition, this alteration is predicted to be tolerated by in silico analysis. Based on the available evidence, the clinical significance of this variant remains unclear.

Labcorp Genetics (formerly Invitae), Labcorp
Classification: Uncertain significance. Last evaluated: 2022-10-16. Review status: criteria provided, single submitter. Criteria: Invitae Variant Classification Sherloc (09022015). Collection method: clinical testing. Allele origin: germline.
Comment: In summary, the available evidence is currently insufficient to determine the role of this variant in disease. Therefore, it has been classified as a Variant of Uncertain Significance. Algorithms developed to predict the effect of missense changes on protein structure and function output the following: SIFT: "Tolerated"; PolyPhen-2: "Benign"; Align-GVGD: "Class C0". The serine amino acid residue is found in multiple mammalian species, which suggests that this missense change does not adversely affect protein function. This variant has not been reported in the literature in individuals affected with TET2-related conditions. This variant is present in population databases (rs747307117, gnomAD 0.007%). This sequence change replaces asparagine, which is neutral and polar, with serine, which is neutral and polar, at codon 837 of the TET2 protein (p.Asn837Ser).